The following is an entry in ClinVar:

ClinVar aggregate classification (germline): Pathogenic (1 of 4 stars; one submission).

Conditions:
Leukodystrophy, hypomyelinating, 2. Also called: PELIZAEUS-MERZBACHER-LIKE DISEASE, 1. Identifiers: Orphanet 280270, Orphanet 280282, MedGen C1837355, MONDO:0012125, OMIM 608804.

Submission:

Kasturba Medical College, Manipal, Kasturba Medical College, Manipal, Manipal Academy of Higher Education, Manipal, India
Classification: Pathogenic for Leukodystrophy, hypomyelinating, 2. Last evaluated: 2024-05-09. Review status: criteria provided, single submitter. Criteria: ACMG Guidelines, 2015. Collection method: clinical testing. Allele origin: germline. Inheritance: Autosomal recessive inheritance. Affected: yes.
Comment: PVS1 was applied as it is a null variant in a gene with loss of function daises mechanism. The variant is absent in population databases thus, PM2 was applied. The phenotype is specific for a disease with single gene aetiology, thus PP4 was applied.

NM_020435.4(GJC2):c.404G>A (p.Trp135Ter)

Gene: GJC2 (gap junction protein gamma 2; plus strand). Cytogenetic location: 1q42.13.
Variant type: single nucleotide variant.
Coding change: c.404G>A on transcript NM_020435.4 (MANE Select); coding-DNA position 404, G replaced by A.
Protein change: p.Trp135Ter; replaces tryptophan 135 with a stop codon.
Molecular consequence: nonsense.
Genome position (GRCh38, 1-based): chr1:228,158,162, G>A. VCF-style: chr1-228158162-G-A. GRCh37 (hg19) VCF-style: chr1-228345863-G-A.
Other names: short protein forms W135*.
Identifiers: ClinVar variation 3340090 (VCV003340090.1).